The following is an entry in ClinVar:

NM_153366.4(SVEP1):c.9718T>G (p.Ser3240Ala)

Gene: SVEP1 (sushi, von Willebrand factor type A, EGF and pentraxin domain containing 1; minus strand). Cytogenetic location: 9q31.3.
Variant type: single nucleotide variant.
Coding change: c.9718T>G on transcript NM_153366.4 (MANE Select); coding-DNA position 9718, T replaced by G.
Protein change: p.Ser3240Ala; replaces serine 3240 with alanine.
Molecular consequence: missense variant.
Genome position (GRCh38, 1-based): chr9:110,400,958, A>C on the plus strand (T>G on the coding strand, the complement: SVEP1 is on the minus strand). VCF-style: chr9-110400958-A-C. GRCh37 (hg19) VCF-style: chr9-113163238-A-C.
Other names: short protein forms S3240A.
Identifiers: ClinVar variation 2304597 (VCV002304597.27), dbSNP rs200910564, ClinGen allele CA5181566.
Genomic context (GRCh38, chr9:110,400,958, plus strand): 5'-CAAAGGTGTATTTACTGCCAACCACAAATCCATGTTCTGGACTTTCAGGTTTCCCACAAG[A>C]AACTGGACTGCAAGATTCATCGGAGAATGGTGGCTCCCAGGTTCCATCAAGCTAAGTGAC-3'
Protein context (NP_699197.3, residues 3230-3250): PFSDESCSPV[Ser3240Ala]CGKPESPEHG

ClinVar aggregate classification (germline): Conflicting classifications of pathogenicity. Review status: criteria provided, conflicting classifications (1 of 4 stars). 2 submissions from 2 submitters: Uncertain significance (1); Likely benign (1). Last evaluated 2024-12-04.

Allele frequency attached by ClinVar (database versions not stated): gnomAD 0.00048; ExAC 0.00075; ESP Exome Variant Server 0.00075.
gnomAD v4.1: 1,276 of 1,613,820 alleles (0.079%); highest among the groups gnomAD compares: Non-Finnish European, 0.1%; no homozygotes.

Submissions (2):

Ambry Genetics
Classification: Uncertain significance. Last evaluated: 2024-12-04. Review status: criteria provided, single submitter. Criteria: Ambry Variant Classification Scheme 2023. Collection method: clinical testing. Allele origin: germline.

CeGaT Center for Human Genetics Tuebingen
Classification: Likely benign. Last evaluated: 2024-02-01. Review status: criteria provided, single submitter. Criteria: CeGaT Center For Human Genetics Tuebingen Variant Classification Criteria Version 2. Collection method: clinical testing. Allele origin: germline. Affected: yes. Observed: 2 variant alleles.
Comment: SVEP1: BP4